The following is an entry in ClinVar:

NM_000540.3(RYR1):c.6575A>G (p.Tyr2192Cys)

Gene: RYR1 (ryanodine receptor 1; plus strand). Cytogenetic location: 19q13.2.
Variant type: single nucleotide variant.
Coding change: c.6575A>G on transcript NM_000540.3 (MANE Select); coding-DNA position 6575, A replaced by G.
Protein change: p.Tyr2192Cys; replaces tyrosine 2192 with cysteine.
Molecular consequence: missense variant.
Genome position (GRCh38, 1-based): chr19:38,496,241, A>G. VCF-style: chr19-38496241-A-G. GRCh37 (hg19) VCF-style: chr19-38986881-A-G.
Other names: c.6575A>G, p.Tyr2192Cys (NM_001042723.2); c.6575A>G (NM_000540.2); short protein forms Y2192C.
Identifiers: ClinVar variation 1022061 (VCV001022061.7), dbSNP rs748421460, ClinGen allele CA068441.

ClinVar aggregate classification (germline): Uncertain significance. Review status: criteria provided, multiple submitters, no conflicts (2 of 4 stars). 2 submissions from 2 submitters: Uncertain significance (2). Last evaluated 2022-07-26.

Conditions:
RYR1-related myopathy. Identifiers: Orphanet 98742, MedGen CN305348, MONDO:0100150.
RYR1-related disorder. Also called: RYR1-related condition; RYR1-related disorders. Identifiers: MedGen CN239331.

Allele frequency attached by ClinVar (database versions not stated): TOPMed below 0.00001; gnomAD exomes 0.00001; ExAC 0.00002.
gnomAD v4.1: 3 of 1,613,788 alleles (0.00019%); highest among the groups gnomAD compares: East Asian, 0.0067%; no homozygotes.

Submissions (2):

Labcorp Genetics (formerly Invitae), Labcorp
Classification: Uncertain significance for RYR1-related disorder. Last evaluated: 2022-07-26. Review status: criteria provided, single submitter. Criteria: Invitae Variant Classification Sherloc (09022015). Collection method: clinical testing. Allele origin: germline.
Comment: This sequence change replaces tyrosine, which is neutral and polar, with cysteine, which is neutral and slightly polar, at codon 2192 of the RYR1 protein (p.Tyr2192Cys). This variant is present in population databases (rs748421460, gnomAD 0.02%). This variant has not been reported in the literature in individuals affected with RYR1-related conditions. ClinVar contains an entry for this variant (Variation ID: 1022061). Advanced modeling of protein sequence and biophysical properties (such as structural, functional, and spatial information, amino acid conservation, physicochemical variation, residue mobility, and thermodynamic stability) performed at Invitae indicates that this missense variant is expected to disrupt RYR1 protein function. In summary, the available evidence is currently insufficient to determine the role of this variant in disease. Therefore, it has been classified as a Variant of Uncertain Significance.

Victorian Clinical Genetics Services, Murdoch Childrens Research Institute
Classification: Uncertain significance for RYR1-related myopathy. Last evaluated: 2020-10-19. Review status: criteria provided, single submitter. Criteria: ACMG Guidelines, 2015. Collection method: clinical testing. Allele origin: germline. Affected: yes.
Comment: Based on the classification scheme VCGS_Germline_v1.3.3, this variant is classified as 3B - VUS. Following criteria are met: 0103 - Loss of function and gain of function are known mechanisms of disease in this gene and are associated with RYR1-related myopathy. Central core disease and minicore myopathy are associated with loss of function, while a gain of function mechanism has been described in the context of malignant hyperthermia susceptibility (PMID: 27855725). (I) 0108 - This gene is associated with both recessive and dominant disease. Autosomal dominant inheritance is associated with central core disease ((MIM#117000) or susceptibility to malignant hyperthermia (MIM#145600). Other phenotypes include minicore myopathy (MIM#255320) which is associated with autosomal recessive inheritance (PMID: 23919265) and neuromuscular disease, congenital, with uniform type 1 fiber (MIM#117000) which is associated with both autosomal dominant and recessive inheritance (OMIM). (I) 0113 - This gene is suspected to be imprinted and paternally expressed (OMIM; PMID: 17033962). (I) 0200 - Variant is predicted to result in a missense amino acid change from tyrosine to cysteine. (I) 0251 - This variant is heterozygous. (I) 0301 - Variant is absent from gnomAD (v3). (SP) 0501 - Missense variant consistently predicted to be damaging by multiple in silico tools and highly conserved with a major amino acid change. (SP) 0600 - Variant is located in the annotated RIH (RyR and IP3R Homology) domain (NCBI conserved domain). (I) 0705 - No comparable missense variants have previous evidence for pathogenicity. (I) 0807 - This variant has no previous evidence of pathogenicity. (I) 0905 - No published segregation evidence has been identified for this variant. (I) 1007 - No published functional evidence has been identified for this variant. (I) 1208 - Inheritance information for this variant is not currently available in this individual. (I) Legend: (SP) - Supporting pathogenic, (I) - Information, (SB) - Supporting benign

Literature cited by the submitters: PubMed 17033962 (cited by Victorian Clinical Genetics Services, Murdoch Childrens Research Institute); PubMed 23919265 (cited by Victorian Clinical Genetics Services, Murdoch Childrens Research Institute); PubMed 27855725 (cited by Victorian Clinical Genetics Services, Murdoch Childrens Research Institute).